The following is an entry in ClinVar:

NM_004465.2(FGF10):c.109T>C (p.Cys37Arg)

Gene: FGF10 (fibroblast growth factor 10; minus strand). Cytogenetic location: 5p12.
Variant type: single nucleotide variant.
Coding change: c.109T>C on transcript NM_004465.2 (MANE Select); coding-DNA position 109, T replaced by C.
Protein change: p.Cys37Arg; replaces cysteine 37 with arginine.
Molecular consequence: missense variant.
Genome position (GRCh38, 1-based): chr5:44,388,574, A>G on the plus strand (T>C on the coding strand, the complement: FGF10 is on the minus strand). VCF-style: chr5-44388574-A-G. GRCh37 (hg19) VCF-style: chr5-44388676-A-G.
Other names: short protein forms C37R.
Identifiers: ClinVar variation 2632631 (VCV002632631.1), dbSNP rs1742166191, ClinGen allele CA359699647.
Genomic context (GRCh38, chr5:44,388,574, plus strand): 5'-AGGAGGAGGAAGAAGAGTTGGTGGCCTCTGGTGACACCATGTCCTGACCAAGGGCTTGGC[A>G]GGTGACAGGGACGGAAGACACCAAGAACAGCAACAAAAAGCAGCAGCAGCAGCAGCCGGG-3'
Protein context (NP_004456.1, residues 27-47): LFLVSSVPVT[Cys37Arg]QALGQDMVSP

ClinVar aggregate classification (germline): Uncertain significance (1 of 4 stars; one submission).

Conditions:
FGF10-related disorder. Also called: FGF10-related condition.

Allele frequency attached by ClinVar (database versions not stated): gnomAD 0.00001.

Submission:

PreventionGenetics, part of Exact Sciences
Classification: Uncertain significance for FGF10-related condition. Last evaluated: 2023-06-22. Review status: criteria provided, single submitter. Criteria: ACMG Guidelines, 2015. Collection method: clinical testing. Allele origin: germline.
Comment: The FGF10 c.109T>C variant is predicted to result in the amino acid substitution p.Cys37Arg. To our knowledge, this variant has not been reported in the literature or in a large population database, indicating this variant is rare. At this time, the clinical significance of this variant is uncertain due to the absence of conclusive functional and genetic evidence.